The following is an entry in ClinVar:

NM_000836.4(GRIN2D):c.603G>A (p.Leu201=)

Gene: GRIN2D (glutamate ionotropic receptor NMDA type subunit 2D; plus strand). Cytogenetic location: 19q13.33.
Variant type: single nucleotide variant.
Coding change: c.603G>A on transcript NM_000836.4 (MANE Select); coding-DNA position 603, G replaced by A.
Protein change: p.Leu201=; no amino-acid change (leucine 201 retained).
Molecular consequence: synonymous variant.
Genome position (GRCh38, 1-based): chr19:48,404,871, G>A. VCF-style: chr19-48404871-G-A. GRCh37 (hg19) VCF-style: chr19-48908128-G-A.
Identifiers: ClinVar variation 1919193 (VCV001919193.7), dbSNP rs747192073, ClinGen allele CA9550352.

ClinVar aggregate classification (germline): Likely benign. Review status: criteria provided, multiple submitters, no conflicts (2 of 4 stars). 2 submissions from 2 submitters: Likely benign (2). Last evaluated 2026-04-01.

Allele frequency attached by ClinVar (database versions not stated): ExAC 0.00001.
gnomAD v4.1: 36 of 1,614,078 alleles (0.0022%); highest among the groups gnomAD compares: Non-Finnish European, 0.0029%; no homozygotes.

Submissions (2):

CeGaT Center for Human Genetics Tuebingen
Classification: Likely benign. Last evaluated: 2026-04-01. Review status: criteria provided, single submitter. Criteria: CeGaT Center For Human Genetics Tuebingen Variant Classification Criteria Version 2. Collection method: clinical testing. Allele origin: germline. Affected: yes. Observed: 1 variant allele.
Comment: GRIN2D: BP4, BP7

Labcorp Genetics (formerly Invitae), Labcorp
Classification: Likely benign. Last evaluated: 2026-01-13. Review status: criteria provided, single submitter. Criteria: Invitae Variant Classification Sherloc (09022015). Collection method: clinical testing. Allele origin: germline.